The following is an entry in ClinVar:

NC_000014.8:g.(?_103389228)_(103394842_?)del

Gene: AMN (amnion associated transmembrane protein; plus strand). Cytogenetic location: 14q32.32.
Variant type: Deletion.
Identifiers: ClinVar variation 3243968 (VCV003243968.1).

ClinVar aggregate classification (germline): Pathogenic (1 of 4 stars; one submission).

Conditions:
Imerslund-Grasbeck syndrome. Also called: PERNICIOUS ANEMIA, JUVENILE, DUE TO SELECTIVE INTESTINAL MALABSORPTION OF VITAMIN B12, WITH PROTEINURIA; Megaloblastic anemia due to inborn errors of metabolism; Imerslund-Gräsbeck syndrome; ENTEROCYTE COBALAMIN MALABSORPTION; ENTEROCYTE INTRINSIC FACTOR RECEPTOR, DEFECT OF. Identifiers: Orphanet 35858, MedGen C4551825, MONDO:0009853.

Submission:

Labcorp Genetics (formerly Invitae), Labcorp
Classification: Pathogenic for Imerslund-Grasbeck syndrome. Last evaluated: 2024-01-26. Review status: criteria provided, single submitter. Criteria: Invitae Variant Classification Sherloc (09022015). Collection method: clinical testing. Allele origin: unknown.
Comment: This variant results in the deletion of exons 2-3 and part of exon 4 (c.43+160_287del) of the AMN gene. It is expected to disrupt RNA splicing. Variants that disrupt the donor or acceptor splice site typically lead to a loss of protein function (PMID: 16199547), and loss-of-function variants in AMN are known to be pathogenic (PMID: 12590260, 22929189). This variant has not been reported in the literature in individuals affected with AMN-related conditions. This variant disrupts a region of the AMN protein in which other variant(s) (p.Thr41Ile) have been determined to be pathogenic (PMID: 12590260, 22929189, 30523278). This suggests that this is a clinically significant region of the protein, and that variants that disrupt it are likely to be disease-causing. For these reasons, this variant has been classified as Pathogenic.

Literature cited by the submitters: PubMed 16199547; PubMed 12590260; PubMed 22929189; PubMed 30523278.